The following is an entry in ClinVar:

NM_001009185.3(ACSL6):c.865-8C>G

Gene: ACSL6 (acyl-CoA synthetase long chain family member 6; minus strand). Cytogenetic location: 5q31.1.
Variant type: single nucleotide variant.
Coding change: c.865-8C>G on transcript NM_001009185.3 (MANE Select); 8 bases into the intron before coding-DNA position 865, C replaced by G.
Molecular consequence: intron variant.
Genome position (GRCh38, 1-based): chr5:131,985,466, G>C on the plus strand (C>G on the coding strand, the complement: ACSL6 is on the minus strand). VCF-style: chr5-131985466-G-C. GRCh37 (hg19) VCF-style: chr5-131321159-G-C.
Other names: NC_000005.9:g.131321159G>C; c.685-8C>G (NM_001205251.2, NM_001405487.1, NM_001405489.1 and 2 more transcripts); c.790-8C>G (NM_001205248.2, NM_001405480.1, NM_001405481.1 and 4 more transcripts); c.859-8C>G (NM_001405475.1); c.760-8C>G (NM_001205247.2, NM_001405486.1, NM_001405485.1); c.865-8C>G (NM_015256.4); c.880+1356C>G (NM_001405477.1); c.835-8C>G (NM_001405476.1); and 1 more.
Identifiers: ClinVar variation 3059647 (VCV003059647.3), dbSNP rs11740791, ClinGen allele CA3401538.

ClinVar aggregate classification (germline): Benign (0 of 4 stars; one submission).

Conditions:
ACSL6-related disorder. Also called: ACSL6-related condition.

Allele frequency attached by ClinVar (database versions not stated): 1000 Genomes Project 0.06090; 1000 Genomes Project 30x 0.06527; TOPMed 0.12696; ESP Exome Variant Server 0.14286.

Submissions (2):

PreventionGenetics, part of Exact Sciences
Classification: Benign for ACSL6-related condition. Last evaluated: 2019-11-22. Review status: no assertion criteria provided. Collection method: clinical testing. Allele origin: germline.
Comment: This variant is classified as benign based on ACMG/AMP sequence variant interpretation guidelines (Richards et al. 2015 PMID: 25741868, with internal and published modifications).

Dr. Peter K. Rogan Lab, Western University
No classification provided (evidence only). Condition: Malignant lymphoma, large B-cell, diffuse. Review status: no classification provided. Collection method: in vitro. Allele origin: not applicable. Functional consequence: retained intron. Not counted in ClinVar's aggregate classification.